The following is an entry in ClinVar:

NM_000444.6(PHEX):c.1586_1586+1del

Gene: PHEX (phosphate regulating endopeptidase X-linked; plus strand). Cytogenetic location: Xp22.11.
Variant type: Microsatellite.
Coding change: c.1586_1586+1del on transcript NM_000444.6 (MANE Select); coding-DNA position 1586 through the canonical splice donor site of the intron after coding-DNA position 1586, 2 bases deleted (AG; older notation c.1586_1586+1delAG).
Molecular consequence: splice donor variant.
Genome position (GRCh38, 1-based): chrX:22,178,376-22,178,377, AG deleted; deleting any 2 consecutive bases within chrX:22,178,374-22,178,377 gives the same sequence; the c. name uses the placement nearest the transcript's 3' end. VCF-style (leftmost placement, unchanged base first): chrX-22178373-CAG-C. GRCh37 (hg19) VCF-style: chrX-22196490-CAG-C.
Other names: c.1586_1586+1del (NM_001282754.2).
Identifiers: ClinVar variation 280075 (VCV000280075.27), dbSNP rs886041362, ClinGen allele CA10603646.

ClinVar aggregate classification (germline): Pathogenic. Review status: criteria provided, multiple submitters, no conflicts (2 of 4 stars). 6 submissions from 6 submitters: Pathogenic (5). 1 of the submissions does not count toward it. Last evaluated 2025-02-17.

Conditions:
PHEX-related disorder. Also called: PHEX-related condition.
Childhood hypophosphatasia. Identifiers: Orphanet 247667, Orphanet 436, MedGen C0220743, MONDO:1010168, OMIM 241510, MONDO:0009428.
Familial X-linked hypophosphatemic vitamin D refractory rickets (XLHRD). Also called: X-Linked Hypophosphatemia; HYPOPHOSPHATEMIC VITAMIN D-RESISTANT RICKETS; Hypophosphatemic Rickets, X-Linked Dominant; Hypophosphatemia, vitamin D-resistant rickets; Vitamin D-resistant rickets, X-linked. Identifiers: Orphanet 89936, MedGen C0733682, MONDO:0010619, OMIM 307800.

Submissions (6):

Centre of Medical Genetics, University Hospital Muenster
Classification: Pathogenic. Last evaluated: 2025-02-17. Review status: criteria provided, single submitter. Criteria: ACMG Guidelines, 2015. Collection method: clinical testing. Allele origin: de novo. Affected: yes. Observed: 1 variant allele, 1 heterozygote.
Comment: ACMG categories: PVS1,PS2,PS4_mod,PM2

Labcorp Genetics (formerly Invitae), Labcorp
Classification: Pathogenic. Last evaluated: 2022-05-08. Review status: criteria provided, single submitter. Criteria: Invitae Variant Classification Sherloc (09022015). Collection method: clinical testing. Allele origin: germline.
Comment: This variant has been observed in individuals with hypophosphatemic ricket (PMID: 19219621). For these reasons, this variant has been classified as Pathogenic. Algorithms developed to predict the effect of sequence changes on RNA splicing suggest that this variant may disrupt the consensus splice site. ClinVar contains an entry for this variant (Variation ID: 280075). This variant is also known as c.1586_1586+1del. This variant is not present in population databases (gnomAD no frequency). This sequence change creates a premature translational stop signal (Splice site) in the PHEX gene. It is expected to result in an absent or disrupted protein product. Loss-of-function variants in PHEX are known to be pathogenic (PMID: 9097956, 9106524, 19219621).

Kasturba Medical College, Manipal, Kasturba Medical College, Manipal, Manipal Academy of Higher Education, Manipal, India
Classification: Pathogenic for Familial X-linked hypophosphatemic vitamin D refractory rickets. Last evaluated: 2022-01-13. Review status: criteria provided, single submitter. Criteria: ACMG Guidelines, 2015. Collection method: clinical testing. Allele origin: germline. Inheritance: X-linked dominant inheritance. Affected: yes. Observed: 1 heterozygote.

GeneDx
Classification: Pathogenic. Last evaluated: 2021-01-08. Review status: criteria provided, single submitter. Criteria: GeneDx Variant Classification Process June 2021. Collection method: clinical testing. Allele origin: germline. Affected: yes.
Comment: Canonical splice site variant predicted to result in a null allele in a gene for which loss-of-function is a known mechanism of disease; Not observed in large population cohorts (Lek et al., 2016); This variant is associated with the following publications: (PMID: 19429806, 30682568, 27840894, 19219621)

Blueprint Genetics
Classification: Pathogenic for PHEX-related disorders. Last evaluated: 2019-07-29. Review status: criteria provided, single submitter. Criteria: ACMG Guidelines, 2015. Collection method: clinical testing. Allele origin: germline. Affected: yes. Observed: 2 variant alleles.

Department of Pediatric Endocrinology, Shriners Hospitals for Children - Mexico City
No classification provided. Condition: Childhood hypophosphatasia. Review status: no classification provided. Collection method: phenotyping only. Allele origin: germline. Inheritance: X-linked dominant inheritance. Affected: yes. Observed: 1 variant allele. Not counted in ClinVar's aggregate classification.

Literature cited by the submitters: PubMed 19219621 (cited by Labcorp Genetics (formerly Invitae), Labcorp); PubMed 9097956 (cited by Labcorp Genetics (formerly Invitae), Labcorp); PubMed 9106524 (cited by Labcorp Genetics (formerly Invitae), Labcorp); PubMed 10737991 (cited by Kasturba Medical College, Manipal, Kasturba Medical College, Manipal, Manipal Academy of Higher Education, Manipal, India).